The following is an entry in ClinVar:

ClinVar aggregate classification (germline): Likely pathogenic (1 of 4 stars; one submission).

Conditions:
Mucopolysaccharidosis, MPS-IV-A (MPS4A). Also called: Mucopolysaccharidosis type IV A; Mucopolysaccharidosis Type IVA; Morquio syndrome A, mild; MORQUIO SYNDROME A; MPS IVA; mucopolysaccharidosis type 4A. Identifiers: Orphanet 309297, Orphanet 582, MedGen C0086651, MONDO:0009659, OMIM 253000.

Allele frequency attached by ClinVar (database versions not stated): TOPMed below 0.00001; gnomAD 0.00001.
gnomAD v4.1: 1 of 1,554,424 alleles (0.000064%); highest among the groups gnomAD compares: African/African-American, 0.0014%; no homozygotes.

Submission:

Laboratory of Diagnosis and Therapy of Lysosomal Disorders, University of Padova
Classification: Likely pathogenic for Mucopolysaccharidosis, MPS-IV-A. Last evaluated: 2021-02-01. Review status: criteria provided, single submitter. Criteria: ACMG Guidelines, 2015. Collection method: curation. Allele origin: germline. Affected: yes.
Comment: Splicing site in canonical site (PVS1_strong); absent from gnomAD v2.1.1 (PM2_moderate)

Literature cited by the submitters: PubMed 23137060; PubMed 34387910.

NM_000512.5(GALNS):c.1483-1G>A

Gene: GALNS (galactosamine (N-acetyl)-6-sulfatase; minus strand). Cytogenetic location: 16q24.3.
Variant type: single nucleotide variant.
Coding change: c.1483-1G>A on transcript NM_000512.5 (MANE Select); the canonical splice acceptor site of the intron before coding-DNA position 1483, G replaced by A.
Molecular consequence: splice acceptor variant.
Genome position (GRCh38, 1-based): chr16:88,814,526, C>T on the plus strand (G>A on the coding strand, the complement: GALNS is on the minus strand). VCF-style: chr16-88814526-C-T. GRCh37 (hg19) VCF-style: chr16-88880934-C-T.
Other names: c.928-1G>A (NM_001323543.2); c.1501-1G>A (NM_001323544.2).
Identifiers: ClinVar variation 1048337 (VCV001048337.3), dbSNP rs1223848239, ClinGen allele CA397092731.
Genomic context (GRCh38, chr16:88,814,526, plus strand): 5'-AATGGATTCTGGAGGTGTCAGACACTTCCCTAACTTTTCACAGCCCGGAGGTGCCCAGTT[C>T]TGGGAAATGAAAATTGAGAAAAAGAACATGCAGTTATTCAAGCTCTTCTGGACCCAGCAG-3'